The following is an entry in ClinVar:

NM_005431.2(XRCC2):c.739T>C (p.Ser247Pro)

Gene: XRCC2 (X-ray repair cross complementing 2; minus strand). Cytogenetic location: 7q36.1.
Variant type: single nucleotide variant.
Coding change: c.739T>C on transcript NM_005431.2 (MANE Select); coding-DNA position 739, T replaced by C.
Protein change: p.Ser247Pro; replaces serine 247 with proline.
Molecular consequence: missense variant.
Genome position (GRCh38, 1-based): chr7:152,648,746, A>G on the plus strand (T>C on the coding strand, the complement: XRCC2 is on the minus strand). VCF-style: chr7-152648746-A-G. GRCh37 (hg19) VCF-style: chr7-152345831-A-G.
Other names: short protein forms S247P.
Identifiers: ClinVar variation 2625104 (VCV002625104.2), dbSNP rs2485880362, ClinGen allele CA370198046.
Genomic context (GRCh38, chr7:152,648,746, plus strand): 5'-TTTTTAAACTGTTACTTTTTAAACAACGTGAAACTAATGAAAATTGGTTGCTGCTTTGAG[A>G]ATCATCTTGTTTGGAGAAAAACATCCTGTGCTTCACCAGTTGCTGCCATGCCTTACAGAG-3'
Protein context (NP_005422.1, residues 237-257): HRMFFSKQDD[Ser247Pro]QSSNQFSLVS

ClinVar aggregate classification (germline): Uncertain significance (1 of 4 stars; one submission).

Conditions:
Hereditary cancer-predisposing syndrome. Also called: Tumor predisposition; Hereditary Cancer Syndrome; Hereditary neoplastic syndrome; Neoplastic Syndromes, Hereditary. Identifiers: Orphanet 140162, MedGen C0027672, MeSH D009386, MONDO:0015356.

Allele frequency attached by ClinVar (database versions not stated): gnomAD exomes below 0.00001.
gnomAD v4.1: 2 of 1,614,204 alleles (0.00012%); highest among the groups gnomAD compares: Non-Finnish European, 0.000085%; no homozygotes.

Submission:

Ambry Genetics
Classification: Uncertain significance for Hereditary cancer-predisposing syndrome. Last evaluated: 2023-07-29. Review status: criteria provided, single submitter. Criteria: Ambry Variant Classification Scheme 2023. Collection method: clinical testing. Allele origin: germline.
Comment: The p.S247P variant (also known as c.739T>C), located in coding exon 3 of the XRCC2 gene, results from a T to C substitution at nucleotide position 739. The serine at codon 247 is replaced by proline, an amino acid with similar properties. This amino acid position is conserved. In addition, this alteration is predicted to be tolerated by in silico analysis. Since supporting evidence is limited at this time, the clinical significance of this alteration remains unclear.